The following is an entry in ClinVar:

ClinVar aggregate classification (germline): Uncertain significance. Review status: criteria provided, multiple submitters, no conflicts (2 of 4 stars). 4 submissions from 4 submitters: Uncertain significance (4). Last evaluated 2025-09-05.

Conditions:
Neuropathy, hereditary sensory and autonomic, type 2A (HSAN2A). Also called: MORVAN DISEASE; NEUROPATHY, CONGENITAL SENSORY; NEUROPATHY, HEREDITARY SENSORY RADICULAR, AUTOSOMAL RECESSIVE; NEUROPATHY, HEREDITARY SENSORY, TYPE IIA; NEUROPATHY, PROGRESSIVE SENSORY, OF CHILDREN; HSAN IIA. Identifiers: Orphanet 970, MedGen C2752089, MONDO:0024309, OMIM 201300.
Generalized epilepsy with febrile seizures plus, type 7 (GEFSP7). Also called: GEFS+, TYPE 7. Identifiers: Orphanet 36387, MedGen C2751778, MONDO:0013470, OMIM 613863.
Inborn genetic diseases. Identifiers: MedGen C0950123, MeSH D030342.

Allele frequency attached by ClinVar (database versions not stated): ExAC 0.00001; gnomAD exomes 0.00001 and 0.00003; gnomAD 0.00002 and 0.00003; TOPMed 0.00002.
gnomAD v4.1: 44 of 1,612,974 alleles (0.0027%); highest among the groups gnomAD compares: Non-Finnish European, 0.0036%; no homozygotes.

Submissions (4):

Labcorp Genetics (formerly Invitae), Labcorp
Classification: Uncertain significance for Neuropathy, hereditary sensory and autonomic, type 2A; Generalized epilepsy with febrile seizures plus, type 7. Last evaluated: 2025-09-05. Review status: criteria provided, single submitter. Criteria: Invitae Variant Classification Sherloc (09022015). Collection method: clinical testing. Allele origin: germline.
Comment: This sequence change replaces alanine, which is neutral and non-polar, with threonine, which is neutral and polar, at codon 46 of the SCN9A protein (p.Ala46Thr). This variant is present in population databases (rs779344629, gnomAD 0.002%). This variant has not been reported in the literature in individuals affected with SCN9A-related conditions. ClinVar contains an entry for this variant (Variation ID: 245932). Invitae Evidence Modeling of protein sequence and biophysical properties (such as structural, functional, and spatial information, amino acid conservation, physicochemical variation, residue mobility, and thermodynamic stability) indicates that this missense variant is not expected to disrupt SCN9A protein function with a negative predictive value of 95%. In summary, the available evidence is currently insufficient to determine the role of this variant in disease. Therefore, it has been classified as a Variant of Uncertain Significance.

Ambry Genetics
Classification: Uncertain significance for Inborn genetic diseases. Last evaluated: 2024-09-25. Review status: criteria provided, single submitter. Criteria: Ambry Variant Classification Scheme 2023. Collection method: clinical testing. Allele origin: germline.

New York Genome Center
Classification: Uncertain significance for Generalized epilepsy with febrile seizures plus, type 7. Last evaluated: 2020-06-03. Review status: criteria provided, single submitter. Criteria: NYGC Assertion Criteria 2020. Collection method: clinical testing. Allele origin: germline. Observed: 1 heterozygote. Study: CSER-NYCKidSeq.
Comment: The c.136G>A (p.Ala46Thr) variant identified in the SCN9A gene substitutes a weakly conserved Alanine for Threonine at amino acid 46/1978 (coding exon 2/27). This variant is found with low frequency in gnomAD(v3.0) (3 heterozygotes, 0 homozygotes; allele frequency: 2.11e-5) suggesting it is not a common benign variant in the populations represented in that database. In silico algorithms do not agree on the effect of this variant, as it is predicted both Neutral (Provean; score:-0.81) and Damaging (SIFT; score:0.044) to the function of the canonical transcript. This variant is reported in ClinVar as a Variant of Uncertain Significance (VarID:245932), and to our current knowledge has not been reported in affected individuals in the literature. The p.Ala46 residue is within the N-terminal cytoplasmic region of the protein, N-terminal to the first transmembrane domain. Given the lack of compelling evidence for its pathogenicity, the c.136G>A (p.Ala46Thr) variant identified in the SCN9A gene is reported here as a Variant of Uncertain Significance.

GeneDx
Classification: Uncertain significance. Last evaluated: 2015-09-04. Review status: criteria provided, single submitter. Criteria: GeneDx Variant Classification (06012015). Collection method: clinical testing. Allele origin: germline. Affected: yes.
Comment: The A46T variant has not been published as pathogenic, nor has it been reported as a benign polymorphism to our knowledge. It was not observed in approximately 6,300 individuals of European and African American ancestry in the NHLBI Exome Sequencing Project, indicating it is not a common benign variant in these populations. The A46T variant is a non-conservative amino acid substitution, which is likely to impact secondary protein structure as these residues differ in polarity, charge, size and/or other properties. However, this substitution occurs at a position that is not conserved. In silico analysis is inconsistent in its predictions as to whether or not the A46T variant is damaging to the protein structure/function. Therefore, based on the currently available information, it is unclear whether this variant is a pathogenic variant or a rare benign variant.

NM_001365536.1(SCN9A):c.136G>A (p.Ala46Thr)

Gene: SCN9A (sodium voltage-gated channel alpha subunit 9; minus strand). Cytogenetic location: 2q24.3.
Variant type: single nucleotide variant.
Coding change: c.136G>A on transcript NM_001365536.1 (MANE Select); coding-DNA position 136, G replaced by A.
Protein change: p.Ala46Thr; replaces alanine 46 with threonine.
Molecular consequence: missense variant.
Genome position (GRCh38, 1-based): chr2:166,311,621, C>T on the plus strand (G>A on the coding strand, the complement: SCN9A is on the minus strand). VCF-style: chr2-166311621-C-T. GRCh37 (hg19) VCF-style: chr2-167168131-C-T.
Other names: c.136G>A, p.Ala46Thr (NM_002977.4); short protein forms A46T.
Identifiers: ClinVar variation 245932 (VCV000245932.13), dbSNP rs779344629, ClinGen allele CA1944880.